The following is an entry in ClinVar:

NM_006892.4(DNMT3B):c.1760-6C>G

Gene: DNMT3B (DNA methyltransferase 3 beta; plus strand). Cytogenetic location: 20q11.21.
Variant type: single nucleotide variant.
Coding change: c.1760-6C>G on transcript NM_006892.4 (MANE Select); 6 bases into the intron before coding-DNA position 1760, C replaced by G.
Molecular consequence: intron variant.
Genome position (GRCh38, 1-based): chr20:32,800,147, C>G. VCF-style: chr20-32800147-C-G. GRCh37 (hg19) VCF-style: chr20-31387953-C-G.
Other names: c.1700-6C>G (NM_175848.2, NM_175849.2); c.1574-6C>G (NM_001207055.2); c.1472-6C>G (NM_001207056.2); c.1736-6C>G (NM_175850.3).
Identifiers: ClinVar variation 2282621 (VCV002282621.2), dbSNP rs755175376, ClinGen allele CA9810708.

ClinVar aggregate classification (germline): Uncertain significance (1 of 4 stars; one submission).

Conditions:
Inborn genetic diseases. Identifiers: MedGen C0950123, MeSH D030342.

Allele frequency attached by ClinVar (database versions not stated): TOPMed 0.00001; ExAC 0.00003.
gnomAD v4.1: 17 of 1,614,170 alleles (0.0011%); highest among the groups gnomAD compares: Non-Finnish European, 0.0013%; no homozygotes.

Submission:

Ambry Genetics
Classification: Uncertain significance for Inborn genetic diseases. Last evaluated: 2022-05-02. Review status: criteria provided, single submitter. Criteria: Ambry Variant Classification Scheme 2023. Collection method: clinical testing. Allele origin: germline.
Comment: The c.1760-6C>G intronic alteration consists of a C to G substitution 6 nucleotides before exon 17 (coding exon 16) of the DNMT3B gene. Based on insufficient or conflicting evidence, the clinical significance of this alteration remains unclear.